The following is an entry in ClinVar:

NM_000115.5(EDNRB):c.-206C>T

Gene: EDNRB (endothelin receptor type B; minus strand). Cytogenetic location: 13q22.3.
Variant type: single nucleotide variant.
Coding change: c.-206C>T on transcript NM_000115.5; 206 bases upstream of the start codon, C replaced by T.
Molecular consequence: 5 prime UTR variant.
Genome position (GRCh38, 1-based): chr13:77,975,501, G>A on the plus strand (C>T on the coding strand, the complement: EDNRB is on the minus strand). VCF-style: chr13-77975501-G-A. GRCh37 (hg19) VCF-style: chr13-78549636-G-A.
Identifiers: ClinVar variation 880917 (VCV000880917.6), dbSNP rs12720103, ClinGen allele CA253056846.

ClinVar aggregate classification (germline): Likely benign (1 of 4 stars; one submission).

Conditions:
Hirschsprung disease, susceptibility to, 2. Identifiers: Orphanet 388, MedGen C1838564, MONDO:0010833, OMIM 600155.

Allele frequency attached by ClinVar (database versions not stated): gnomAD 0.00963 and 0.01017; TOPMed 0.01038; 1000 Genomes Project 0.01058; 1000 Genomes Project 30x 0.01218.

Submission:

Illumina Laboratory Services, Illumina
Classification: Likely benign for Hirschsprung disease, susceptibility to, 2. Last evaluated: 2018-01-13. Review status: criteria provided, single submitter. Criteria: ICSL Variant Classification Criteria 13 December 2019. Collection method: clinical testing. Allele origin: germline.
Comment: This variant was observed in the ICSL laboratory as part of a predisposition screen in an ostensibly healthy population. It had not been previously curated by ICSL or reported in the Human Gene Mutation Database (HGMD: prior to June 1st, 2018), and was therefore a candidate for classification through an automated scoring system. Utilizing variant allele frequency, disease prevalence and penetrance estimates, and inheritance mode, an automated score was calculated to assess if this variant is too frequent to cause the disease. Based on the score and internal cut-off values, a variant classified as likely benign is not then subjected to further curation. The score for this variant resulted in a classification of likely benign for this disease.